The following is an entry in ClinVar:

ClinVar aggregate classification (germline): Pathogenic (1 of 4 stars; one submission).

Allele frequency attached by ClinVar (database versions not stated): gnomAD exomes below 0.00001; TOPMed below 0.00001.
gnomAD v4.1: 1 of 1,612,448 alleles (0.000062%); highest among the groups gnomAD compares: Non-Finnish European, 0.000085%; no homozygotes.

Submission:

Labcorp Genetics (formerly Invitae), Labcorp
Classification: Pathogenic. Last evaluated: 2021-04-18. Review status: criteria provided, single submitter. Criteria: Invitae Variant Classification Sherloc (09022015). Collection method: clinical testing. Allele origin: germline.
Comment: For these reasons, this variant has been classified as Pathogenic. This variant has not been reported in the literature in individuals with COL11A2-related conditions. This variant is not present in population databases (ExAC no frequency). This sequence change creates a premature translational stop signal (p.Glu1166*) in the COL11A2 gene. It is expected to result in an absent or disrupted protein product. Loss-of-function variants in COL11A2 are known to be pathogenic (PMID: 10677296, 21204229).

Literature cited by the submitters: PubMed 10677296; PubMed 21204229.

NM_080680.3(COL11A2):c.3496G>T (p.Glu1166Ter)

Gene: COL11A2 (collagen type XI alpha 2 chain; minus strand). Cytogenetic location: 6p21.32.
Variant type: single nucleotide variant.
Coding change: c.3496G>T on transcript NM_080680.3 (MANE Select); coding-DNA position 3496, G replaced by T.
Protein change: p.Glu1166Ter; replaces glutamic acid 1166 with a stop codon.
Molecular consequence: nonsense.
Genome position (GRCh38, 1-based): chr6:33,170,589, C>A on the plus strand (G>T on the coding strand, the complement: COL11A2 is on the minus strand). VCF-style: chr6-33170589-C-A. GRCh37 (hg19) VCF-style: chr6-33138366-C-A.
Other names: c.3175G>T, p.Glu1059Ter (NM_080679.3); c.3238G>T, p.Glu1080Ter (NM_080681.3); short protein forms E1080*, E1166*, E1059*.
Identifiers: ClinVar variation 1402330 (VCV001402330.6), dbSNP rs1448700521, ClinGen allele CA363630530.